The following is an entry in ClinVar:

ClinVar aggregate classification (germline): Uncertain significance (1 of 4 stars; one submission).

Conditions:
Usher syndrome type 3B. Also called: USHER SYNDROME, TYPE IIIB. Identifiers: MedGen C3281066, MONDO:0013788, OMIM 614504.

Submission:

Labcorp Genetics (formerly Invitae), Labcorp
Classification: Uncertain significance for Usher syndrome type 3B. Last evaluated: 2023-01-03. Review status: criteria provided, single submitter. Criteria: Invitae Variant Classification Sherloc (09022015). Collection method: clinical testing. Allele origin: germline.
Comment: In summary, the available evidence is currently insufficient to determine the role of this variant in disease. Therefore, it has been classified as a Variant of Uncertain Significance. Advanced modeling of protein sequence and biophysical properties (such as structural, functional, and spatial information, amino acid conservation, physicochemical variation, residue mobility, and thermodynamic stability) performed at Invitae indicates that this missense variant is not expected to disrupt HARS protein function. This variant has not been reported in the literature in individuals affected with HARS-related conditions. This variant is not present in population databases (gnomAD no frequency). This sequence change replaces isoleucine, which is neutral and non-polar, with threonine, which is neutral and polar, at codon 147 of the HARS protein (p.Ile147Thr).

NM_002109.6(HARS1):c.440T>C (p.Ile147Thr)

Gene: HARS1 (histidyl-tRNA synthetase 1; minus strand). Cytogenetic location: 5q31.3.
Variant type: single nucleotide variant.
Coding change: c.440T>C on transcript NM_002109.6 (MANE Select); coding-DNA position 440, T replaced by C.
Protein change: p.Ile147Thr; replaces isoleucine 147 with threonine.
Molecular consequence: missense variant. On other transcripts: intron variant (2).
Genome position (GRCh38, 1-based): chr5:140,679,084, A>G on the plus strand (T>C on the coding strand, the complement: HARS1 is on the minus strand). VCF-style: chr5-140679084-A-G. GRCh37 (hg19) VCF-style: chr5-140058669-A-G.
Other names: c.320T>C, p.Ile107Thr (NM_001258040.3, NM_001258042.3); c.440T>C, p.Ile147Thr (NM_001258041.3); c.353T>C, p.Ile118Thr (NM_001289094.2); c.181-1069T>C (NM_001289093.2); c.301-1069T>C (NM_001289092.2); short protein forms I107T, I118T, I147T.
Identifiers: ClinVar variation 2826049 (VCV002826049.3), dbSNP rs2481266443, ClinGen allele CA361257166.